The following is an entry in ClinVar:

NM_003242.6(TGFBR2):c.95-5_95-3del

Gene: TGFBR2 (transforming growth factor beta receptor 2; plus strand). Cytogenetic location: 3p24.1.
Variant type: Microsatellite.
Coding change: c.95-5_95-3del on transcript NM_003242.6 (MANE Select); 5 bases into the intron before coding-DNA position 95 through 3 bases into the intron before coding-DNA position 95, 3 bases deleted (CTC; older notation c.95-5_95-3delCTC).
Molecular consequence: intron variant.
Genome position (GRCh38, 1-based): chr3:30,644,742-30,644,744, CTC deleted; deleting any 3 consecutive bases within chr3:30,644,739-30,644,744 gives the same sequence; the c. name uses the placement nearest the transcript's 3' end. VCF-style (leftmost placement, unchanged base first): chr3-30644738-TCTC-T. GRCh37 (hg19) VCF-style: chr3-30686230-TCTC-T.
Other names: c.95-26896_95-26894del (NM_001407138.1); c.122-5_122-3del (NM_001407128.1); c.-11-5_-11-3del (NM_001407129.1, NM_001407132.1, NM_001407136.1 and 3 more transcripts); c.170-5_170-3del (NM_001407126.1, NM_001024847.3, NM_001407139.1); c.169+21469_169+21471del (NM_001407137.1); c.95-5_95-3del (NM_001407127.1, NM_001407130.1).
Identifiers: ClinVar variation 2774560 (VCV002774560.2), dbSNP rs2470509728, ClinGen allele CA2697550742.

ClinVar aggregate classification (germline): Uncertain significance (1 of 4 stars; one submission).

Conditions:
Familial thoracic aortic aneurysm and aortic dissection (TAAD). Also called: Thoracic aortic aneurysms and dissections. Identifiers: Orphanet 91387, MedGen C4707243, MONDO:0019625.

Submission:

Color Diagnostics, LLC DBA Color Health
Classification: Uncertain significance for Familial thoracic aortic aneurysm and aortic dissection. Last evaluated: 2022-10-11. Review status: criteria provided, single submitter. Criteria: ACMG Guidelines, 2015. Collection method: clinical testing. Allele origin: germline.
Comment: This variant causes a deletion of three nucleotides in intron 1 of the TGFBR2 gene. To our knowledge, functional studies have not been reported for this variant. This variant has not been reported in individuals affected with cardiovascular disorders in the literature. This variant has not been identified in the general population by the Genome Aggregation Database (gnomAD). The available evidence is insufficient to determine the role of this variant in disease conclusively. Therefore, this variant is classified as a Variant of Uncertain Significance.